The following is an entry in ClinVar:

NM_006329.4(FBLN5):c.188A>C (p.Asn63Thr)

Gene: FBLN5 (fibulin 5; minus strand). Cytogenetic location: 14q32.12.
Variant type: single nucleotide variant.
Coding change: c.188A>C on transcript NM_006329.4 (MANE Select); coding-DNA position 188, A replaced by C.
Protein change: p.Asn63Thr; replaces asparagine 63 with threonine.
Molecular consequence: missense variant.
Genome position (GRCh38, 1-based): chr14:91,937,138, T>G on the plus strand (A>C on the coding strand, the complement: FBLN5 is on the minus strand). VCF-style: chr14-91937138-T-G. GRCh37 (hg19) VCF-style: chr14-92403482-T-G.
Other names: c.311A>C, p.Asn104Thr (NM_001384158.1); c.239A>C, p.Asn80Thr (NM_001384159.1); c.188A>C, p.Asn63Thr (NM_001384160.1); c.20A>C, p.Asn7Thr (NM_001384161.1, NM_001384162.1); short protein forms N104T, N63T, N7T, N80T.
Identifiers: ClinVar variation 3344548 (VCV003344548.1).

ClinVar aggregate classification (germline): Uncertain significance (0 of 4 stars; one submission).

Conditions:
FBLN5-related disorder. Also called: FBLN5-related condition.

Submission:

PreventionGenetics, part of Exact Sciences
Classification: Uncertain significance for FBLN5-related condition. Last evaluated: 2024-05-07. Review status: no assertion criteria provided. Collection method: clinical testing. Allele origin: germline.
Comment: The FBLN5 c.188A>C variant is predicted to result in the amino acid substitution p.Asn63Thr. To our knowledge, this variant has not been reported in the literature or in a large population database, indicating this variant is rare. At this time, the clinical significance of this variant is uncertain due to the absence of conclusive functional and genetic evidence.